The following is an entry in ClinVar:

ClinVar aggregate classification (germline): Conflicting classifications of pathogenicity. Review status: criteria provided, conflicting classifications (1 of 4 stars). 4 submissions from 4 submitters: Uncertain significance (3); Likely benign (1). Last evaluated 2025-09-22.

Conditions:
Atypical hemolytic-uremic syndrome. Identifiers: Orphanet 2134, MedGen C2931788, MONDO:0016244.
Thrombomodulin-related bleeding disorder (THPH12). Also called: Thrombophilia due to thrombomodulin defect. Identifiers: Orphanet 436169, MedGen C3280976, MONDO:0013775, OMIM 614486.

Submissions (4):

Genomenon, Inc
Classification: Uncertain significance for Thrombomodulin-related bleeding disorder. Last evaluated: 2025-09-22. Review status: criteria provided, single submitter. Criteria: Genomenon Sequence Variant Interpretation Standards - Updated. Collection method: curation. Allele origin: germline. Affected: no.
Comment: THBD p.Pro353Thr (c.1057C>A) is a missense variant that changes the amino acid at residue 353 from Proline to Threonine. This variant has been reported in the published literature (PMID:37466676). It is absent or not present at a significant frequency in gnomAD. In silico models agree that this variant is not damaging. In conclusion, we classify THBD p.Pro353Thr (c.1057C>A) as a variant of unknown significance.

Women's Health and Genetics/Laboratory Corporation of America, LabCorp
Classification: Uncertain significance. Last evaluated: 2024-11-13. Review status: criteria provided, single submitter. Criteria: LabCorp Variant Classification Summary - May 2015. Collection method: clinical testing. Allele origin: germline.
Comment: Variant summary: THBD c.1057C>A (p.Pro353Thr) results in a non-conservative amino acid change located in the Calcium binding EGF likel domain of the encoded protein sequence. Four of five in-silico tools predict a benign effect of the variant on protein function. The variant allele was found at a frequency of 1.6e-05 in 250880 control chromosomes. The available data on variant occurrences in the general population are insufficient to allow any conclusion about variant significance. c.1057C>A has been reported in the literature in at-least one individual affected with Atypical hemolytic uremic syndrome (example: Connaughton_2023). These report(s) do not provide unequivocal conclusions about association of the variant with THBD-Related Disorders. To our knowledge, no experimental evidence demonstrating an impact on protein function has been reported. The following publication has been ascertained in the context of this evaluation (PMID: 37466676). ClinVar contains an entry for this variant (Variation ID: 1712464). Based on the evidence outlined above, the variant was classified as uncertain significance.

Labcorp Genetics (formerly Invitae), Labcorp
Classification: Uncertain significance. Last evaluated: 2023-08-04. Review status: criteria provided, single submitter. Criteria: Invitae Variant Classification Sherloc (09022015). Collection method: clinical testing. Allele origin: germline.
Comment: This sequence change replaces proline, which is neutral and non-polar, with threonine, which is neutral and polar, at codon 353 of the THBD protein (p.Pro353Thr). This variant is present in population databases (no rsID available, gnomAD 0.03%). This variant has not been reported in the literature in individuals affected with THBD-related conditions. ClinVar contains an entry for this variant (Variation ID: 1712464). Advanced modeling of protein sequence and biophysical properties (such as structural, functional, and spatial information, amino acid conservation, physicochemical variation, residue mobility, and thermodynamic stability) performed at Invitae indicates that this missense variant is not expected to disrupt THBD protein function. In summary, the available evidence is currently insufficient to determine the role of this variant in disease. Therefore, it has been classified as a Variant of Uncertain Significance.

Genome Diagnostics Laboratory, The Hospital for Sick Children
Classification: Likely benign for Atypical hemolytic-uremic syndrome. Last evaluated: 2019-12-01. Review status: criteria provided, single submitter. Criteria: ACMG Guidelines, 2015. Collection method: clinical testing. Allele origin: germline.

Literature cited by the submitters: PubMed 37466676 (cited by Genomenon, Inc and Women's Health and Genetics/Laboratory Corporation of America, LabCorp).

NM_000361.3(THBD):c.1057C>A (p.Pro353Thr)

Gene: THBD (thrombomodulin; minus strand). Cytogenetic location: 20p11.21.
Variant type: single nucleotide variant.
Coding change: c.1057C>A on transcript NM_000361.3 (MANE Select); coding-DNA position 1057, C replaced by A.
Protein change: p.Pro353Thr; replaces proline 353 with threonine.
Molecular consequence: missense variant.
Genome position (GRCh38, 1-based): chr20:23,048,448, G>T on the plus strand (C>A on the coding strand, the complement: THBD is on the minus strand). VCF-style: chr20-23048448-G-T. GRCh37 (hg19) VCF-style: chr20-23029085-G-T.
Other names: short protein forms P353T.
Identifiers: ClinVar variation 1712464 (VCV001712464.8), dbSNP rs1300304839, ClinGen allele CA408406363.